The following is an entry in ClinVar:

NM_000443.4(ABCB4):c.3817C>T (p.Gln1273Ter)

Gene: ABCB4 (ATP binding cassette subfamily B member 4; minus strand). Cytogenetic location: 7q21.12.
Variant type: single nucleotide variant.
Coding change: c.3817C>T on transcript NM_000443.4 (MANE Select); coding-DNA position 3817, C replaced by T.
Protein change: p.Gln1273Ter; replaces glutamine 1273 with a stop codon.
Molecular consequence: nonsense.
Genome position (GRCh38, 1-based): chr7:87,402,119, G>A on the plus strand (C>T on the coding strand, the complement: ABCB4 is on the minus strand). VCF-style: chr7-87402119-G-A. GRCh37 (hg19) VCF-style: chr7-87031435-G-A.
Other names: c.3838C>T, p.Gln1280Ter (NM_018849.3); c.3676C>T, p.Gln1226Ter (NM_018850.3); short protein forms Q1273*, Q1226*, Q1280*.
Identifiers: ClinVar variation 4781889 (VCV004781889.1).

ClinVar aggregate classification (germline): Uncertain significance (1 of 4 stars; one submission).

gnomAD v4.1: 3 of 1,614,060 alleles (0.00019%); highest among the groups gnomAD compares: South Asian, 0.0011%; no homozygotes.

Submission:

Labcorp Genetics (formerly Invitae), Labcorp
Classification: Uncertain significance. Last evaluated: 2025-07-13. Review status: criteria provided, single submitter. Criteria: Invitae Variant Classification Sherloc (09022015). Collection method: clinical testing. Allele origin: germline.
Comment: This sequence change creates a premature translational stop signal (p.Gln1273*) in the ABCB4 gene. While this is not anticipated to result in nonsense mediated decay, it is expected to disrupt the last 7 amino acid(s) of the ABCB4 protein. This variant is present in population databases (rs772010541, gnomAD 0.003%). This variant has not been reported in the literature in individuals affected with ABCB4-related conditions. Experimental studies and prediction algorithms are not available or were not evaluated, and the functional significance of this variant is currently unknown. In summary, the available evidence is currently insufficient to determine the role of this variant in disease. Therefore, it has been classified as a Variant of Uncertain Significance.